The following is an entry in ClinVar:

NM_004371.4(COPA):c.2012A>G (p.Lys671Arg)

Gene: COPA (coat protein complex I subunit alpha; minus strand). Cytogenetic location: 1q23.2.
Variant type: single nucleotide variant.
Coding change: c.2012A>G on transcript NM_004371.4 (MANE Select); coding-DNA position 2012, A replaced by G.
Protein change: p.Lys671Arg; replaces lysine 671 with arginine.
Molecular consequence: missense variant.
Genome position (GRCh38, 1-based): chr1:160,297,711, T>C on the plus strand (A>G on the coding strand, the complement: COPA is on the minus strand). VCF-style: chr1-160297711-T-C. GRCh37 (hg19) VCF-style: chr1-160267501-T-C.
Other names: c.2039A>G, p.Lys680Arg (NM_001098398.2); short protein forms K671R, K680R.
Identifiers: ClinVar variation 2995570 (VCV002995570.3), dbSNP rs776425202, ClinGen allele CA31536333.

ClinVar aggregate classification (germline): Uncertain significance (1 of 4 stars; one submission).

Conditions:
Autoimmune interstitial lung disease-arthritis syndrome. Also called: Autoinflammation and autoimmunity, systemic, with immune dysregulation. Identifiers: Orphanet 444092, MedGen C5975714, MONDO:0014629.

Allele frequency attached by ClinVar (database versions not stated): gnomAD exomes 0.00001; TOPMed 0.00001.
gnomAD v4.1: 9 of 1,614,126 alleles (0.00056%); highest among the groups gnomAD compares: Non-Finnish European, 0.00076%; no homozygotes.

Submission:

Labcorp Genetics (formerly Invitae), Labcorp
Classification: Uncertain significance for Autoimmune interstitial lung disease-arthritis syndrome. Last evaluated: 2025-04-09. Review status: criteria provided, single submitter. Criteria: Invitae Variant Classification Sherloc (09022015). Collection method: clinical testing. Allele origin: germline.
Comment: This sequence change replaces lysine, which is basic and polar, with arginine, which is basic and polar, at codon 671 of the COPA protein (p.Lys671Arg). This variant is not present in population databases (gnomAD no frequency). This variant has not been reported in the literature in individuals affected with COPA-related conditions. ClinVar contains an entry for this variant (Variation ID: 2995570). Invitae Evidence Modeling of protein sequence and biophysical properties (such as structural, functional, and spatial information, amino acid conservation, physicochemical variation, residue mobility, and thermodynamic stability) indicates that this missense variant is not expected to disrupt COPA protein function with a negative predictive value of 80%. In summary, the available evidence is currently insufficient to determine the role of this variant in disease. Therefore, it has been classified as a Variant of Uncertain Significance.